The following is an entry in ClinVar:

ClinVar aggregate classification (germline): Uncertain significance (1 of 4 stars; one submission).

Allele frequency attached by ClinVar (database versions not stated): gnomAD exomes below 0.00001.
gnomAD v4.1: 2 of 1,487,094 alleles (0.00013%); highest among the groups gnomAD compares: African/African-American, 0.0014%; no homozygotes.

Submission:

Labcorp Genetics (formerly Invitae), Labcorp
Classification: Uncertain significance. Last evaluated: 2023-07-12. Review status: criteria provided, single submitter. Criteria: Invitae Variant Classification Sherloc (09022015). Collection method: clinical testing. Allele origin: germline.
Comment: This sequence change replaces alanine, which is neutral and non-polar, with valine, which is neutral and non-polar, at codon 969 of the OTOGL protein (p.Ala969Val). This variant is not present in population databases (gnomAD no frequency). This variant has not been reported in the literature in individuals affected with OTOGL-related conditions. Algorithms developed to predict the effect of missense changes on protein structure and function output the following: SIFT: "Not Available"; PolyPhen-2: "Benign"; Align-GVGD: "Not Available". The valine amino acid residue is found in multiple mammalian species, which suggests that this missense change does not adversely affect protein function. Algorithms developed to predict the effect of sequence changes on RNA splicing suggest that this variant may disrupt the consensus splice site. In summary, the available evidence is currently insufficient to determine the role of this variant in disease. Therefore, it has been classified as a Variant of Uncertain Significance.

NM_001378609.3(OTOGL):c.2933C>T (p.Ala978Val)

Gene: OTOGL (otogelin like; plus strand). Cytogenetic location: 12q21.31.
Variant type: single nucleotide variant.
Coding change: c.2933C>T on transcript NM_001378609.3 (MANE Select); coding-DNA position 2933, C replaced by T.
Protein change: p.Ala978Val; replaces alanine 978 with valine.
Molecular consequence: missense variant. On other transcripts: intron variant (1).
Genome position (GRCh38, 1-based): chr12:80,296,831, C>T. VCF-style: chr12-80296831-C-T. GRCh37 (hg19) VCF-style: chr12-80690611-C-T.
Other names: c.2933C>T, p.Ala978Val (NM_001378610.3, NM_173591.7); c.2929-5803C>T (NM_001368062.3); short protein forms A978V.
Identifiers: ClinVar variation 2742760 (VCV002742760.3), dbSNP rs1173571027, ClinGen allele CA385858452.